The following is an entry in ClinVar:

NM_001297.5(CNGB1):c.297C>A (p.Ser99Arg)

Gene: CNGB1 (cyclic nucleotide gated channel subunit beta 1; minus strand). Cytogenetic location: 16q21.
Variant type: single nucleotide variant.
Coding change: c.297C>A on transcript NM_001297.5 (MANE Select); coding-DNA position 297, C replaced by A.
Protein change: p.Ser99Arg; replaces serine 99 with arginine.
Molecular consequence: missense variant.
Genome position (GRCh38, 1-based): chr16:57,963,058, G>T on the plus strand (C>A on the coding strand, the complement: CNGB1 is on the minus strand). VCF-style: chr16-57963058-G-T. GRCh37 (hg19) VCF-style: chr16-57996962-G-T.
Other names: c.297C>A, p.Ser99Arg (NM_001135639.2, NM_001286130.2); c.297C>A (NM_001297.4); short protein forms S99R.
Identifiers: ClinVar variation 1916071 (VCV001916071.4), dbSNP rs1012624729, ClinGen allele CA396079830.

ClinVar aggregate classification (germline): Uncertain significance. Review status: criteria provided, multiple submitters, no conflicts (2 of 4 stars). 2 submissions from 2 submitters: Uncertain significance (2). Last evaluated 2025-06-30.

Conditions:
Inborn genetic diseases. Identifiers: MedGen C0950123, MeSH D030342.

Submissions (2):

Ambry Genetics
Classification: Uncertain significance for Inborn genetic diseases. Last evaluated: 2025-06-30. Review status: criteria provided, single submitter. Criteria: Ambry Variant Classification Scheme 2023. Collection method: clinical testing. Allele origin: germline.

Labcorp Genetics (formerly Invitae), Labcorp
Classification: Uncertain significance. Last evaluated: 2025-04-07. Review status: criteria provided, single submitter. Criteria: Invitae Variant Classification Sherloc (09022015). Collection method: clinical testing. Allele origin: germline.
Comment: This sequence change replaces serine, which is neutral and polar, with arginine, which is basic and polar, at codon 99 of the CNGB1 protein (p.Ser99Arg). This variant is present in population databases (no rsID available, gnomAD 0.01%). This variant has not been reported in the literature in individuals affected with CNGB1-related conditions. ClinVar contains an entry for this variant (Variation ID: 1916071). Invitae Evidence Modeling of protein sequence and biophysical properties (such as structural, functional, and spatial information, amino acid conservation, physicochemical variation, residue mobility, and thermodynamic stability) indicates that this missense variant is not expected to disrupt CNGB1 protein function with a negative predictive value of 95%. In summary, the available evidence is currently insufficient to determine the role of this variant in disease. Therefore, it has been classified as a Variant of Uncertain Significance.